The following is an entry in ClinVar:

ClinVar aggregate classification (germline): Uncertain significance (1 of 4 stars; one submission).

gnomAD v4.1: 2 of 1,614,038 alleles (0.00012%); highest among the groups gnomAD compares: Middle Eastern, 0.016%; no homozygotes.

Submission:

Labcorp Genetics (formerly Invitae), Labcorp
Classification: Uncertain significance. Last evaluated: 2025-10-02. Review status: criteria provided, single submitter. Criteria: Invitae Variant Classification Sherloc (09022015). Collection method: clinical testing. Allele origin: germline.
Comment: This sequence change replaces proline, which is neutral and non-polar, with leucine, which is neutral and non-polar, at codon 494 of the RFWD3 protein (p.Pro494Leu). This variant is present in population databases (rs199852515, gnomAD 0.007%). This variant has not been reported in the literature in individuals affected with RFWD3-related conditions. An algorithm developed to predict the effect of missense changes on protein structure and function (PolyPhen-2) suggests that this variant is likely to be tolerated. In summary, the available evidence is currently insufficient to determine the role of this variant in disease. Therefore, it has been classified as a Variant of Uncertain Significance.

NM_018124.4(RFWD3):c.1481C>T (p.Pro494Leu)

Gene: RFWD3 (ring finger and WD repeat domain 3; minus strand). Cytogenetic location: 16q23.1.
Variant type: single nucleotide variant.
Coding change: c.1481C>T on transcript NM_018124.4 (MANE Select); coding-DNA position 1481, C replaced by T.
Protein change: p.Pro494Leu; replaces proline 494 with leucine.
Molecular consequence: missense variant.
Genome position (GRCh38, 1-based): chr16:74,632,619, G>A on the plus strand (C>T on the coding strand, the complement: RFWD3 is on the minus strand). VCF-style: chr16-74632619-G-A. GRCh37 (hg19) VCF-style: chr16-74666517-G-A.
Other names: c.1481C>T, p.Pro494Leu (NM_001370534.1, NM_001370535.1, NM_001370536.1); c.647C>T, p.Pro216Leu (NM_001370537.1, NM_001370539.1, NM_001370540.1 and 2 more transcripts); short protein forms P216L, P494L.
Identifiers: ClinVar variation 4749113 (VCV004749113.1).